The following is an entry in ClinVar:

NM_000388.4(CASR):c.2749A>G (p.Lys917Glu)

Gene: CASR (calcium sensing receptor; plus strand). Cytogenetic location: 3q21.1.
Variant type: single nucleotide variant.
Coding change: c.2749A>G on transcript NM_000388.4 (MANE Select); coding-DNA position 2749, A replaced by G.
Protein change: p.Lys917Glu; replaces lysine 917 with glutamic acid.
Molecular consequence: missense variant.
Genome position (GRCh38, 1-based): chr3:122,284,703, A>G. VCF-style: chr3-122284703-A-G. GRCh37 (hg19) VCF-style: chr3-122003550-A-G.
Other names: c.2779A>G, p.Lys927Glu (NM_001178065.2); short protein forms K917E, K927E.
Identifiers: ClinVar variation 2940334 (VCV002940334.3), dbSNP rs2473281732, ClinGen allele CA354160681.

ClinVar aggregate classification (germline): Uncertain significance (1 of 4 stars; one submission).

Conditions:
Familial hypocalciuric hypercalcemia (FHH). Also called: Familial benign hypercalcemia. Identifiers: Orphanet 405, MedGen C1809471, MONDO:0018458.
Autosomal dominant hypocalcemia 1 (HYPOC1). Also called: HYPOCALCEMIA, FAMILIAL. Identifiers: MedGen C3715128, MONDO:0011013, OMIM 601198.

Submission:

Labcorp Genetics (formerly Invitae), Labcorp
Classification: Uncertain significance for Familial hypocalciuric hypercalcemia; Autosomal dominant hypocalcemia 1. Last evaluated: 2023-08-20. Review status: criteria provided, single submitter. Criteria: Invitae Variant Classification Sherloc (09022015). Collection method: clinical testing. Allele origin: germline.
Comment: In summary, the available evidence is currently insufficient to determine the role of this variant in disease. Therefore, it has been classified as a Variant of Uncertain Significance. An algorithm developed to predict the effect of missense changes on protein structure and function (PolyPhen-2) suggests that this variant is likely to be disruptive. This variant has not been reported in the literature in individuals affected with CASR-related conditions. This variant is not present in population databases (gnomAD no frequency). This sequence change replaces lysine, which is basic and polar, with glutamic acid, which is acidic and polar, at codon 917 of the CASR protein (p.Lys917Glu).